The following is an entry in ClinVar:

ClinVar aggregate classification (germline): Uncertain significance (1 of 4 stars; one submission).

gnomAD v4.1: 21 of 1,588,512 alleles (0.0013%); highest among the groups gnomAD compares: East Asian, 0.0022%; no homozygotes.

Submission:

Labcorp Genetics (formerly Invitae), Labcorp
Classification: Uncertain significance. Last evaluated: 2025-08-21. Review status: criteria provided, single submitter. Criteria: Invitae Variant Classification Sherloc (09022015). Collection method: clinical testing. Allele origin: germline.
Comment: This sequence change replaces glutamic acid, which is acidic and polar, with lysine, which is basic and polar, at codon 130 of the RSPRY1 protein (p.Glu130Lys). This variant is present in population databases (rs372893786, gnomAD 0.007%). This variant has not been reported in the literature in individuals affected with RSPRY1-related conditions. Invitae Evidence Modeling of protein sequence and biophysical properties (such as structural, functional, and spatial information, amino acid conservation, physicochemical variation, residue mobility, and thermodynamic stability) indicates that this missense variant is not expected to disrupt RSPRY1 protein function with a negative predictive value of 80%. In summary, the available evidence is currently insufficient to determine the role of this variant in disease. Therefore, it has been classified as a Variant of Uncertain Significance.

NM_133368.3(RSPRY1):c.388G>A (p.Glu130Lys)

Gene: RSPRY1 (ring finger and SPRY domain containing 1; plus strand). Cytogenetic location: 16q13.
Variant type: single nucleotide variant.
Coding change: c.388G>A on transcript NM_133368.3 (MANE Select); coding-DNA position 388, G replaced by A.
Protein change: p.Glu130Lys; replaces glutamic acid 130 with lysine.
Molecular consequence: missense variant.
Genome position (GRCh38, 1-based): chr16:57,208,095, G>A. VCF-style: chr16-57208095-G-A. GRCh37 (hg19) VCF-style: chr16-57242007-G-A.
Other names: c.388G>A, p.Glu130Lys (NM_001305163.2, NM_001305164.2); short protein forms E130K.
Identifiers: ClinVar variation 4750782 (VCV004750782.1).